The following is an entry in ClinVar:

ClinVar aggregate classification (germline): Benign/Likely benign. Review status: criteria provided, multiple submitters, no conflicts (2 of 4 stars). 3 submissions from 2 submitters: Benign (2); Likely benign (1). Last evaluated 2018-01-13.

Conditions:
Maturity-onset diabetes of the young type 1. Also called: MODY type 1; Diabetes mellitus MODY type 1; MODY HNF4A related; MILD JUVENILE DIABETES MELLITUS; HNF4A-Related Maturity-Onset Diabetes of the Young Type 1; MODY, type I. Identifiers: Orphanet 552, MedGen C1852093, MONDO:0007452, OMIM 125850. Disease mechanism: loss of function.
Maturity-onset diabetes of the young (MODY). Also called: Maturity onset diabetes mellitus in young. Identifiers: Orphanet 552, MedGen C0342276, MONDO:0018911, HP:0004904.
Familial hyperinsulinism. Also called: Congenital hyperinsulinism. Identifiers: Orphanet 276525, MedGen C3888018, MONDO:0017182. Disease mechanism: loss of function.

Allele frequency attached by ClinVar (database versions not stated): TOPMed 0.00012; gnomAD 0.00014; gnomAD exomes 0.00138; 1000 Genomes Project 30x 0.00297; 1000 Genomes Project 0.00359.
gnomAD v4.1: 87 of 166,054 alleles (0.052%); highest among the groups gnomAD compares: East Asian, 1.5%; 1 homozygote.

Submissions (3):

Illumina Laboratory Services, Illumina
Classification: Benign for Maturity-onset diabetes of the young type 1. Last evaluated: 2018-01-13. Review status: criteria provided, single submitter. Criteria: ICSL Variant Classification Criteria 13 December 2019. Collection method: clinical testing. Allele origin: germline.
Comment: This variant was observed in the ICSL laboratory as part of a predisposition screen in an ostensibly healthy population. It had not been previously curated by ICSL or reported in the Human Gene Mutation Database (HGMD: prior to June 1st, 2018), and was therefore a candidate for classification through an automated scoring system. Utilizing variant allele frequency, disease prevalence and penetrance estimates, and inheritance mode, an automated score was calculated to assess if this variant is too frequent to cause the disease. Based on the score and internal cut-off values, a variant classified as benign is not then subjected to further curation. The score for this variant resulted in a classification of benign for this disease.

Illumina Laboratory Services, Illumina
Classification: Likely benign for Familial hyperinsulinism. Last evaluated: 2018-01-13. Review status: criteria provided, single submitter. Criteria: ICSL Variant Classification Criteria 13 December 2019. Collection method: clinical testing. Allele origin: germline.
Comment: This variant was observed in the ICSL laboratory as part of a predisposition screen in an ostensibly healthy population. It had not been previously curated by ICSL or reported in the Human Gene Mutation Database (HGMD: prior to June 1st, 2018), and was therefore a candidate for classification through an automated scoring system. Utilizing variant allele frequency, disease prevalence and penetrance estimates, and inheritance mode, an automated score was calculated to assess if this variant is too frequent to cause the disease. Based on the score and internal cut-off values, a variant classified as likely benign is not then subjected to further curation. The score for this variant resulted in a classification of likely benign for this disease.

Clinical Genomics, Uppaluri K&H Personalized Medicine Clinic
Classification: Benign for Maturity-onset diabetes of the young. Review status: criteria provided, single submitter. Criteria: K & H Uppaluri Personalized Medicine Clinic Variant Classification & Assertion Criteria_Updated V.1. Collection method: research. Allele origin: unknown. Inheritance: Autosomal dominant inheritance.
Comment: Potent mutations in HNF4A are associated with poor insulin secretion in response to hyperglycemia. Associated with MODY1. Patients initially respond well to sulfonylureas but eventually become insulin dependent. However, more evidence is required to ascertain the role of this particular variant rs144306069 in MODY, yet.

Literature cited by the submitters: DOI 10.1159/000334532 (cited by Clinical Genomics, Uppaluri K&H Personalized Medicine Clinic); PubMed 18268044 (cited by Clinical Genomics, Uppaluri K&H Personalized Medicine Clinic); PubMed 17563455 (cited by Clinical Genomics, Uppaluri K&H Personalized Medicine Clinic); PubMed 32583173 (cited by Clinical Genomics, Uppaluri K&H Personalized Medicine Clinic); PubMed 35052457 (cited by Clinical Genomics, Uppaluri K&H Personalized Medicine Clinic); PubMed 35118593 (cited by Clinical Genomics, Uppaluri K&H Personalized Medicine Clinic).

NM_175914.5(HNF4A):c.*427G>T

Gene: HNF4A (hepatocyte nuclear factor 4 alpha; plus strand). Cytogenetic location: 20q13.12.
Variant type: single nucleotide variant.
Coding change: c.*427G>T on transcript NM_175914.5 (MANE Select); 427 bases downstream of the stop codon, G replaced by T.
Molecular consequence: 3 prime UTR variant.
Genome position (GRCh38, 1-based): chr20:44,430,092, G>T. VCF-style: chr20-44430092-G-T. GRCh37 (hg19) VCF-style: chr20-43058732-G-T.
Other names: c.*427G>T (NM_000457.6, NM_001030003.3, NM_001258355.2 and 3 more transcripts).
Identifiers: ClinVar variation 898305 (VCV000898305.5), dbSNP rs144306069, ClinGen allele CA315421248.
Genomic context (GRCh38, chr20:44,430,092, plus strand): 5'-CTGGTGCTTCTCCTCTCCTAGCCCCTGTCATGGTGTCCAGACAGAGCCCTGTGAGGCTGG[G>T]TCCAATTGTGGCACTTGGGGCACCTTGCTCCTCCTTCTGCTGCTGCCCCCACCTCTGCTG-3'